The following is an entry in ClinVar:

NM_020872.3(CNTN3):c.2433A>C (p.Ala811=)

Gene: CNTN3 (contactin 3; minus strand). Cytogenetic location: 3p12.3.
Variant type: single nucleotide variant.
Coding change: c.2433A>C on transcript NM_020872.3 (MANE Select); coding-DNA position 2433, A replaced by C.
Protein change: p.Ala811=; no amino-acid change (alanine 811 retained).
Molecular consequence: synonymous variant.
Genome position (GRCh38, 1-based): chr3:74,295,205, T>G on the plus strand (A>C on the coding strand, the complement: CNTN3 is on the minus strand). VCF-style: chr3-74295205-T-G. GRCh37 (hg19) VCF-style: chr3-74344356-T-G.
Other names: c.2433A>C, p.Ala811= (NM_001393376.1).
Identifiers: ClinVar variation 3055362 (VCV003055362.2), dbSNP rs10490832, ClinGen allele CA2494933.

ClinVar aggregate classification (germline): Benign (0 of 4 stars; one submission).

Conditions:
CNTN3-related disorder. Also called: CNTN3-related condition.

Allele frequency attached by ClinVar (database versions not stated): 1000 Genomes Project 30x 0.08745; 1000 Genomes Project 0.08886; TOPMed 0.10152; gnomAD 0.11116; ESP Exome Variant Server 0.11910; ExAC 0.12957.
gnomAD v4.1: 236,123 of 1,610,212 alleles (15%); highest among the groups gnomAD compares: South Asian, 18%; 18,913 homozygotes.

Submission:

PreventionGenetics, part of Exact Sciences
Classification: Benign for CNTN3-related condition. Last evaluated: 2019-10-30. Review status: no assertion criteria provided. Collection method: clinical testing. Allele origin: germline.
Comment: This variant is classified as benign based on ACMG/AMP sequence variant interpretation guidelines (Richards et al. 2015 PMID: 25741868, with internal and published modifications).